The following is an entry in ClinVar:

NM_018714.3(COG1):c.153G>A (p.Met51Ile)

Genes: COG1 (component of oligomeric golgi complex 1; plus strand), LOC130061576 (ATAC-STARR-seq lymphoblastoid active region 12690; plus strand). Cytogenetic location: 17q25.1.
Variant type: single nucleotide variant.
Coding change: c.153G>A on transcript NM_018714.3 (MANE Select); coding-DNA position 153, G replaced by A.
Protein change: p.Met51Ile; replaces methionine 51 with isoleucine.
Molecular consequence: missense variant.
Genome position (GRCh38, 1-based): chr17:73,193,222, G>A. VCF-style: chr17-73193222-G-A. GRCh37 (hg19) VCF-style: chr17-71189361-G-A.
Other names: short protein forms M51I.
Identifiers: ClinVar variation 376890 (VCV000376890.9), dbSNP rs976164079, ClinGen allele CA16603203.

ClinVar aggregate classification (germline): Uncertain significance. Review status: criteria provided, multiple submitters, no conflicts (2 of 4 stars). 2 submissions from 2 submitters: Uncertain significance (2). Last evaluated 2021-11-22.

Conditions:
COG1 congenital disorder of glycosylation (CDG2G). Also called: CDG IIg; CDGII/COG1 CEREBROCOSTOMANDIBULAR-LIKE SYNDROME; CONGENITAL DISORDER OF GLYCOSYLATION, TYPE IIg. Identifiers: Orphanet 263508, MedGen C2931011, MONDO:0012637, OMIM 611209.

Allele frequency attached by ClinVar (database versions not stated): TOPMed below 0.00001.
gnomAD v4.1: 14 of 1,609,024 alleles (0.00087%); highest among the groups gnomAD compares: African/African-American, 0.0013%; no homozygotes.

Submissions (2):

Labcorp Genetics (formerly Invitae), Labcorp
Classification: Uncertain significance for COG1 congenital disorder of glycosylation. Last evaluated: 2021-11-22. Review status: criteria provided, single submitter. Criteria: Invitae Variant Classification Sherloc (09022015). Collection method: clinical testing. Allele origin: germline.
Comment: This variant has not been reported in the literature in individuals affected with COG1-related conditions. In summary, the available evidence is currently insufficient to determine the role of this variant in disease. Therefore, it has been classified as a Variant of Uncertain Significance. Algorithms developed to predict the effect of missense changes on protein structure and function are either unavailable or do not agree on the potential impact of this missense change (SIFT: "Tolerated"; PolyPhen-2: "Probably Damaging"; Align-GVGD: "Class C0"). ClinVar contains an entry for this variant (Variation ID: 376890). This variant is not present in population databases (gnomAD no frequency). This sequence change replaces methionine, which is neutral and non-polar, with isoleucine, which is neutral and non-polar, at codon 51 of the COG1 protein (p.Met51Ile).

Center for Pediatric Genomic Medicine, Children's Mercy Hospital and Clinics
Classification: Uncertain significance. Last evaluated: 2017-02-03. Review status: criteria provided, single submitter. Criteria: ACMG Guidelines, 2015. Collection method: clinical testing. Allele origin: germline.
ClinVar note: Converted during submission from Uncertain Significance to Uncertain significance.